The following is an entry in ClinVar:

ClinVar aggregate classification (germline): Pathogenic/Likely pathogenic. Review status: criteria provided, multiple submitters, no conflicts (2 of 4 stars). 8 submissions from 8 submitters: Pathogenic (4); Likely pathogenic (2). 2 of the submissions do not count toward it. Last evaluated 2025-11-15.

Conditions:
AMT-related disorder. Also called: AMT-related condition.
Glycine encephalopathy 1 (GCE1). Identifiers: MedGen CN376801, MONDO:0958179, OMIM 605899.
Glycine encephalopathy. Also called: Nonketotic hyperglycinemia; Non-ketotic hyperglycinemia. Identifiers: Orphanet 407, MedGen C0751748, MONDO:0011612, HP:0008288.

Allele frequency attached by ClinVar (database versions not stated): gnomAD exomes 0.00001 and 0.00004; ExAC 0.00002; gnomAD 0.00003 and 0.00006; TOPMed 0.00005.

Submissions (8):

GeneDx
Classification: Likely pathogenic. Last evaluated: 2025-11-15. Review status: criteria provided, single submitter. Criteria: GeneDx Variant Classification Process June 2021. Collection method: clinical testing. Allele origin: germline. Affected: yes.
Comment: Observed multiple times with another AMT variant in unrelated patients in published literature and referred for testing at GeneDx with suspected nonketotic hyperglycemia, but it is not known whether the variants occurred on the same (in cis) or on different (in trans) chromosomes in some cases (PMID: 26179960, 27362913, 34568804, 16450403); Not observed at significant frequency in large population cohorts (gnomAD); In silico analysis supports that this missense variant has a deleterious effect on protein structure/function; This variant is associated with the following publications: (PMID: 31589614, 32368696, 28991257, 35051734, 34568804, 27362913, 26179960, 16450403)

Labcorp Genetics (formerly Invitae), Labcorp
Classification: Pathogenic for Glycine encephalopathy. Last evaluated: 2025-10-02. Review status: criteria provided, single submitter. Criteria: Invitae Variant Classification Sherloc (09022015). Collection method: clinical testing. Allele origin: germline.
Comment: This sequence change replaces serine, which is neutral and polar, with leucine, which is neutral and non-polar, at codon 77 of the AMT protein (p.Ser77Leu). This variant is present in population databases (rs386833680, gnomAD 0.002%). This missense change has been observed in individual(s) with glycine encephalopathy (PMID: 16450403, 26179960, 27362913; internal data). In at least one individual the data is consistent with being in trans (on the opposite chromosome) from a pathogenic variant. ClinVar contains an entry for this variant (Variation ID: 56229). Invitae Evidence Modeling of protein sequence and biophysical properties (such as structural, functional, and spatial information, amino acid conservation, physicochemical variation, residue mobility, and thermodynamic stability) indicates that this missense variant is expected to disrupt AMT protein function with a positive predictive value of 95%. For these reasons, this variant has been classified as Pathogenic.

PreventionGenetics, part of Exact Sciences
Classification: Pathogenic for AMT-related condition. Last evaluated: 2025-08-11. Review status: criteria provided, single submitter. Criteria: ACMG Guidelines, 2015. Collection method: clinical testing. Allele origin: germline.
Comment: The AMT c.230C>T variant is predicted to result in the amino acid substitution p.Ser77Leu. This variant in both the compound heterozygous and homozygous states has been reported in individuals with nonketotic hyperglycinemia/glycine encephalopathy (Kure et al. 2006. PubMed ID: 16450403; Zaganas et al. 2021. PubMed ID: 34568804). This variant has also been reported as de novo in an individual with left-sided obstructive heart defects (Table S2, Edwards et al. 2020. PubMed ID: 32368696). This variant has not been reported in a large population database (gnomAD), indicating this variant is rare. This variant is interpreted as pathogenic for nonketotic hyperglycinemia/glycine encephalopathy.

Natera, Inc.
Classification: Pathogenic for Non-ketotic hyperglycinemia. Last evaluated: 2025-03-31. Review status: criteria provided, single submitter. Criteria: Natera Variant Classification Schema (03/2026). Collection method: clinical testing. Allele origin: germline.
Comment: The c.230C>T variant in AMT is a missense variant predicted to cause substitution of serine to leucine at amino acid 77. This variant is rare in the general population with a frequency below the threshold expected for the associated phenotype(s). This variant has been observed in one or more individuals affected with the associated recessive disease, as either homozygous or compound heterozygous with a second variant (PMID: 16450403, 34568804, 27362913, 26179960). Computational prediction algorithms indicate this variant is likely to affect gene or protein function. Given the available evidence, this variant is classified as Pathogenic.

Women's Health and Genetics/Laboratory Corporation of America, LabCorp
Classification: Pathogenic for Glycine encephalopathy. Last evaluated: 2021-12-21. Review status: criteria provided, single submitter. Criteria: LabCorp Variant Classification Summary - May 2015. Collection method: clinical testing. Allele origin: germline.
Comment: Variant summary: AMT c.230C>T (p.Ser77Leu) results in a non-conservative amino acid change located in the Aminomethyltransferase, folate-binding domain (IPR006222) of the encoded protein sequence. Five of five in-silico tools predict a damaging effect of the variant on protein function. The variant allele was found at a frequency of 8e-06 in 251186 control chromosomes. c.230C>T has been reported in the literature as a compound heterozygous genotype in multiple individuals affected with Glycine Encephalopathy (Non-Ketotic Hyperglycinemia) (example, Kure_2006, Coughlin_2017). These data indicate that the variant is very likely to be associated with disease. To our knowledge, no experimental evidence demonstrating an impact on protein function has been reported. Two clinical diagnostic laboratories have submitted clinical-significance assessments for this variant to ClinVar after 2014 without evidence for independent evaluation. All laboratories classified the variant as pathogenic/likely pathogenic. Based on the evidence outlined above, the variant was classified as pathogenic.

Blueprint Genetics
Classification: Likely pathogenic for AMT-related disorders. Last evaluated: 2020-09-21. Review status: criteria provided, single submitter. Criteria: ACMG Guidelines, 2015. Collection method: clinical testing. Allele origin: germline. Affected: yes. Observed: 1 variant allele.

Counsyl
Classification: Likely pathogenic for Glycine encephalopathy 1. Last evaluated: 2017-03-01. Review status: no assertion criteria provided. Collection method: clinical testing. Allele origin: unknown. Not counted in ClinVar's aggregate classification.

Juha Muilu Group; Institute for Molecular Medicine Finland (FIMM)
Classification: Likely pathogenic for Non-ketotic hyperglycinemia. Review status: no assertion criteria provided. Collection method: not provided. Allele origin: unknown. Not counted in ClinVar's aggregate classification.
Comment: FinDis database variant: This variant was not found or characterized by our laboratory, data were collected from public sources: see reference
ClinVar note: Converted during submission from probable-pathogenic to Likely pathogenic.

Literature cited by the submitters: PubMed 16450403 (cited by 4 submitters); PubMed 26179960 (cited by 4 submitters); PubMed 27362913 (cited by 3 submitters); PubMed 34568804 (cited by Natera, Inc.).

NM_000481.4(AMT):c.230C>T (p.Ser77Leu)

Gene: AMT (aminomethyltransferase; minus strand). Cytogenetic location: 3p21.31.
Variant type: single nucleotide variant.
Coding change: c.230C>T on transcript NM_000481.4 (MANE Select); coding-DNA position 230, C replaced by T.
Protein change: p.Ser77Leu; replaces serine 77 with leucine.
Molecular consequence: missense variant. On other transcripts: non-coding transcript variant (1), intron variant (1).
Genome position (GRCh38, 1-based): chr3:49,422,132, G>A on the plus strand (C>T on the coding strand, the complement: AMT is on the minus strand). VCF-style: chr3-49422132-G-A. GRCh37 (hg19) VCF-style: chr3-49459565-G-A.
Other names: c.230C>T, p.Ser77Leu (NM_001164710.2, NM_001164712.2); c.90+229C>T (NM_001164711.2); short protein forms S77L.
Identifiers: ClinVar variation 56229 (VCV000056229.24), dbSNP rs386833680, ClinGen allele CA263569.